The following is an entry in ClinVar:

NM_000256.3(MYBPC3):c.542C>T (p.Ala181Val)

Gene: MYBPC3 (myosin binding protein C3; minus strand). Cytogenetic location: 11p11.2.
Variant type: single nucleotide variant.
Coding change: c.542C>T on transcript NM_000256.3 (MANE Select); coding-DNA position 542, C replaced by T.
Protein change: p.Ala181Val; replaces alanine 181 with valine.
Molecular consequence: missense variant.
Genome position (GRCh38, 1-based): chr11:47,349,886, G>A on the plus strand (C>T on the coding strand, the complement: MYBPC3 is on the minus strand). VCF-style: chr11-47349886-G-A. GRCh37 (hg19) VCF-style: chr11-47371437-G-A.
Other names: short protein forms A181V.
Identifiers: ClinVar variation 1311245 (VCV001311245.2), dbSNP rs2142867799, ClinGen allele CA380338044.

ClinVar aggregate classification (germline): Uncertain significance (1 of 4 stars; one submission).

Submission:

GeneDx
Classification: Uncertain significance. Last evaluated: 2019-12-20. Review status: criteria provided, single submitter. Criteria: GeneDx Variant Classification Process June 2021. Collection method: clinical testing. Allele origin: germline. Affected: yes.
Comment: Has not been previously published as pathogenic or benign to our knowledge; Not observed in large population cohorts (Lek et al., 2016); In silico analysis, which includes protein predictors and evolutionary conservation, supports that this variant does not alter protein structure/function